The following is an entry in ClinVar:

ClinVar aggregate classification (germline): Likely benign (1 of 4 stars; one submission).

Allele frequency attached by ClinVar (database versions not stated): gnomAD exomes below 0.00001.
gnomAD v4.1: 1 of 1,614,054 alleles (0.000062%); highest among the groups gnomAD compares: Non-Finnish European, 0.000085%; no homozygotes.

Submission:

CeGaT Center for Human Genetics Tuebingen
Classification: Likely benign. Last evaluated: 2024-02-01. Review status: criteria provided, single submitter. Criteria: CeGaT Center For Human Genetics Tuebingen Variant Classification Criteria Version 2. Collection method: clinical testing. Allele origin: germline. Affected: yes. Observed: 1 variant allele.
Comment: NGLY1: PM2:Supporting, BP4, BP7

NM_018297.4(NGLY1):c.861G>A (p.Gln287=)

Gene: NGLY1 (N-glycanase 1; minus strand). Cytogenetic location: 3p24.2.
Variant type: single nucleotide variant.
Coding change: c.861G>A on transcript NM_018297.4 (MANE Select); coding-DNA position 861, G replaced by A.
Protein change: p.Gln287=; no amino-acid change (glutamine 287 retained).
Molecular consequence: synonymous variant.
Genome position (GRCh38, 1-based): chr3:25,739,597, C>T on the plus strand (G>A on the coding strand, the complement: NGLY1 is on the minus strand). VCF-style: chr3-25739597-C-T. GRCh37 (hg19) VCF-style: chr3-25781088-C-T.
Other names: c.861G>A, p.Gln287= (NM_001145293.2, NM_001145295.2); c.735G>A, p.Gln245= (NM_001145294.2).
Identifiers: ClinVar variation 3027106 (VCV003027106.22), dbSNP rs2470552555, ClinGen allele CA432843207.
Genomic context (GRCh38, chr3:25,739,597, plus strand): 5'-ATTAAGAGATTATTCTGATTTTACCATCCAGGGCACCCACCTTGGGAATCGATTGCTGAA[C>T]TGGCAGGCATCACAGTAATGATCTTCCACTTCCTTTGCACCCCACTTCAGCTCATCATCA-3'
Protein context (NP_060767.2, residues 277-297): EVEDHYCDAC[Gln287=]FSNRFPRYNN